The following is an entry in ClinVar:

NM_001190787.3(MCIDAS):c.1085C>T (p.Ala362Val)

Gene: MCIDAS (multiciliate differentiation and DNA synthesis associated cell cycle protein; minus strand). Cytogenetic location: 5q11.2.
Variant type: single nucleotide variant.
Coding change: c.1085C>T on transcript NM_001190787.3 (MANE Select); coding-DNA position 1085, C replaced by T.
Protein change: p.Ala362Val; replaces alanine 362 with valine.
Molecular consequence: missense variant.
Genome position (GRCh38, 1-based): chr5:55,220,439, G>A on the plus strand (C>T on the coding strand, the complement: MCIDAS is on the minus strand). VCF-style: chr5-55220439-G-A. GRCh37 (hg19) VCF-style: chr5-54516267-G-A.
Other names: short protein forms A362V.
Identifiers: ClinVar variation 961021 (VCV000961021.8), dbSNP rs539275390, ClinGen allele CA3266540.
Genomic context (GRCh38, chr5:55,220,439, plus strand): 5'-CAGCGGAACTTGTAACCCCCGTTGGCTGTTCTGATGGTGAAGGCATTGCCCTGGGGGAAG[G>A]CGAGGGTGCGGATGGTGCTGTGGCTGCGGATGCGGGTGCTGAAGGAGCCGCCCTCCTCCA-3'
Protein context (NP_001177716.1, residues 352-372): IRSHSTIRTL[Ala362Val]FPQGNAFTIR

ClinVar aggregate classification (germline): Uncertain significance. Review status: criteria provided, multiple submitters, no conflicts (2 of 4 stars). 3 submissions from 3 submitters: Uncertain significance (3). Last evaluated 2025-09-11.

Conditions:
Inborn genetic diseases. Identifiers: MedGen C0950123, MeSH D030342.
Primary ciliary dyskinesia. Also called: Ciliary dyskinesia. Identifiers: Orphanet 244, MedGen C0008780, MONDO:0016575, HP:0012265.

Allele frequency attached by ClinVar (database versions not stated): gnomAD exomes 0.00005 and 0.00007; ExAC 0.00008; gnomAD 0.00046 and 0.00048; 1000 Genomes Project 30x 0.00047; TOPMed 0.00047; 1000 Genomes Project 0.00060.
gnomAD v4.1: 130 of 1,536,080 alleles (0.0085%); highest among the groups gnomAD compares: African/African-American, 0.17%; no homozygotes.

Submissions (3):

Ambry Genetics
Classification: Uncertain significance for Inborn genetic diseases. Last evaluated: 2025-09-11. Review status: criteria provided, single submitter. Criteria: Ambry Variant Classification Scheme 2023. Collection method: clinical testing. Allele origin: germline.

GeneDx
Classification: Uncertain significance. Last evaluated: 2023-12-20. Review status: criteria provided, single submitter. Criteria: GeneDx Variant Classification Process June 2021. Collection method: clinical testing. Allele origin: germline. Affected: yes.
Comment: In silico analysis supports that this missense variant does not alter protein structure/function; Has not been previously published as pathogenic or benign to our knowledge

Labcorp Genetics (formerly Invitae), Labcorp
Classification: Uncertain significance for Primary ciliary dyskinesia. Last evaluated: 2022-05-19. Review status: criteria provided, single submitter. Criteria: Invitae Variant Classification Sherloc (09022015). Collection method: clinical testing. Allele origin: germline.
Comment: This sequence change replaces alanine, which is neutral and non-polar, with valine, which is neutral and non-polar, at codon 362 of the MCIDAS protein (p.Ala362Val). This variant is present in population databases (rs539275390, gnomAD 0.2%). This variant has not been reported in the literature in individuals affected with MCIDAS-related conditions. ClinVar contains an entry for this variant (Variation ID: 961021). Algorithms developed to predict the effect of missense changes on protein structure and function (SIFT, PolyPhen-2, Align-GVGD) all suggest that this variant is likely to be disruptive. In summary, the available evidence is currently insufficient to determine the role of this variant in disease. Therefore, it has been classified as a Variant of Uncertain Significance.